The following is an entry in ClinVar:

NM_018979.4(WNK1):c.7054C>T (p.Gln2352Ter)

Gene: WNK1 (WNK lysine deficient protein kinase 1; plus strand). Cytogenetic location: 12p13.33.
Variant type: single nucleotide variant.
Coding change: c.7054C>T on transcript NM_018979.4 (MANE Select); coding-DNA position 7054, C replaced by T.
Protein change: p.Gln2352Ter; replaces glutamine 2352 with a stop codon.
Molecular consequence: nonsense.
Genome position (GRCh38, 1-based): chr12:908,697, C>T. VCF-style: chr12-908697-C-T. GRCh37 (hg19) VCF-style: chr12-1017863-C-T.
Other names: c.7834C>T, p.Gln2612Ter (NM_001184985.2); c.6310C>T, p.Gln2104Ter (NM_014823.3); c.7810C>T, p.Gln2604Ter (NM_213655.5); short protein forms Q2352*, Q2104*, Q2612*, Q2604*.
Identifiers: ClinVar variation 2947525 (VCV002947525.3), dbSNP rs2498109793, ClinGen allele CA383341296.

ClinVar aggregate classification (germline): Uncertain significance (1 of 4 stars; one submission).

Conditions:
Neuropathy, hereditary sensory and autonomic, type 2A (HSAN2A). Also called: ACROOSTEOLYSIS, GIACCAI TYPE; ACROOSTEOLYSIS, NEUROGENIC; MORVAN DISEASE; NEUROPATHY, CONGENITAL SENSORY; NEUROPATHY, HEREDITARY SENSORY RADICULAR, AUTOSOMAL RECESSIVE; NEUROPATHY, HEREDITARY SENSORY, TYPE IIA. Identifiers: Orphanet 970, MedGen C2752089, MONDO:0024309, OMIM 201300.
Pseudohypoaldosteronism type 2C (PHA2C). Also called: Pseudohypoaldosteronism Type IIC. Identifiers: Orphanet 757, Orphanet 88940, MedGen C1840391, MONDO:0013778, OMIM 614492.

Submission:

Labcorp Genetics (formerly Invitae), Labcorp
Classification: Uncertain significance for Neuropathy, hereditary sensory and autonomic, type 2A; Pseudohypoaldosteronism type 2C. Last evaluated: 2023-05-05. Review status: criteria provided, single submitter. Criteria: Invitae Variant Classification Sherloc (09022015). Collection method: clinical testing. Allele origin: germline.
Comment: This sequence change creates a premature translational stop signal (p.Gln2604*) in the WNK1 gene. While this is not anticipated to result in nonsense mediated decay, it is expected to disrupt the last 31 amino acid(s) of the WNK1 protein. In summary, the available evidence is currently insufficient to determine the role of this variant in disease. Therefore, it has been classified as a Variant of Uncertain Significance. Experimental studies and prediction algorithms are not available or were not evaluated, and the functional significance of this variant is currently unknown. This variant has not been reported in the literature in individuals affected with WNK1-related conditions. This variant is not present in population databases (gnomAD no frequency).